The following is an entry in ClinVar:

ClinVar aggregate classification (germline): Likely pathogenic (1 of 4 stars; one submission).

Submission:

GeneDx
Classification: Likely pathogenic. Last evaluated: 2018-05-23. Review status: criteria provided, single submitter. Criteria: GeneDx Variant Classification (06012015). Collection method: clinical testing. Allele origin: germline. Affected: yes.
Comment: The W563L variant has been published previously in association with X-linked agammaglobulinemia (Conley et al., 1998). The variant is not observed in large population cohorts (Lek et al., 2016). W563L is a semi-conservative amino acid substitution, which may impact secondary protein structure as these residues differ in some properties. In-silico analyses, including protein predictors and evolutionary conservation, support a deleterious effect. Tryptophan 563 is a functionally important residue, and a W563F variant at this position has been shown to have a detrimental effect on kinase activity (Maniar et al., 1995). Missense variants in nearby residues (F559S, R562W/P/L, P565T/L, P566S/R, E567Q/K/D) have been reported in the Human Gene Mutation Database in association with X-linked agammaglobulinemia (Stenson et al., 2014), supporting the functional importance of this region of the protein. In summary, this variant is likely pathogenic; however, the possibility that it is benign cannot be excluded.

NM_000061.3(BTK):c.1688G>T (p.Trp563Leu)

Gene: BTK (Bruton tyrosine kinase; minus strand). Cytogenetic location: Xq22.1.
Variant type: single nucleotide variant.
Coding change: c.1688G>T on transcript NM_000061.3 (MANE Select); coding-DNA position 1688, G replaced by T.
Protein change: p.Trp563Leu; replaces tryptophan 563 with leucine.
Molecular consequence: missense variant.
Genome position (GRCh38, 1-based): chrX:101,353,932, C>A on the plus strand (G>T on the coding strand, the complement: BTK is on the minus strand). VCF-style: chrX-101353932-C-A. GRCh37 (hg19) VCF-style: chrX-100608920-C-A.
Other names: c.1790G>T, p.Trp597Leu (NM_001287344.2); c.1160G>T, p.Trp387Leu (NM_001287345.2); short protein forms W563L, W387L, W597L.
Identifiers: ClinVar variation 546105 (VCV000546105.2), dbSNP rs1555977474, ClinGen allele CA413920548.